The following is an entry in ClinVar:

NM_000179.3(MSH6):c.3463C>T (p.Gln1155Ter)

Gene: MSH6 (mutS homolog 6; plus strand). Cytogenetic location: 2p16.3.
Variant type: single nucleotide variant.
Coding change: c.3463C>T on transcript NM_000179.3 (MANE Select); coding-DNA position 3463, C replaced by T.
Protein change: p.Gln1155Ter; replaces glutamine 1155 with a stop codon.
Molecular consequence: nonsense.
Genome position (GRCh38, 1-based): chr2:47,804,934, C>T. VCF-style: chr2-47804934-C-T. GRCh37 (hg19) VCF-style: chr2-48032073-C-T.
Other names: c.3073C>T, p.Gln1025Ter (NM_001281492.2); c.2557C>T, p.Gln853Ter (NM_001281493.2, NM_001281494.2); short protein forms Q1155*, Q1025*, Q853*.
Identifiers: ClinVar variation 483851 (VCV000483851.19), dbSNP rs1553332166, ClinGen allele CA346760051.

ClinVar aggregate classification (germline): Pathogenic/Likely pathogenic. Review status: criteria provided, multiple submitters, no conflicts (2 of 4 stars). 6 submissions from 6 submitters: Pathogenic (5); Likely pathogenic (1). Last evaluated 2024-08-26.

Conditions:
Hereditary nonpolyposis colorectal neoplasms. Identifiers: MedGen C0009405, MeSH D003123.
Lynch syndrome. Identifiers: Orphanet 144, MedGen C4552100, MONDO:0005835. Disease mechanism: loss of function.
Lynch syndrome 5 (LYNCH5). Also called: Colorectal cancer, hereditary nonpolyposis, type 5; Hereditary non-polyposis colorectal cancer, type 5. Identifiers: Orphanet 144, MedGen C1833477, MONDO:0013710, OMIM 614350. Disease mechanism: loss of function.
Hereditary cancer-predisposing syndrome. Also called: Neoplastic Syndromes, Hereditary; Tumor predisposition; Hereditary Cancer Syndrome; Hereditary neoplastic syndrome. Identifiers: Orphanet 140162, MedGen C0027672, MeSH D009386, MONDO:0015356.

Submissions (6):

Ambry Genetics
Classification: Pathogenic for Hereditary cancer-predisposing syndrome. Last evaluated: 2024-08-26. Review status: criteria provided, single submitter. Criteria: Ambry Variant Classification Scheme 2023. Collection method: clinical testing. Allele origin: germline.
Comment: The p.Q1155* pathogenic mutation (also known as c.3463C>T), located in coding exon 6 of the MSH6 gene, results from a C to T substitution at nucleotide position 3463. This changes the amino acid from a glutamine to a stop codon within coding exon 6. This alteration is expected to result in loss of function by premature protein truncation or nonsense-mediated mRNA decay. As such, this alteration is interpreted as a disease-causing mutation.

Labcorp Genetics (formerly Invitae), Labcorp
Classification: Pathogenic for Hereditary nonpolyposis colorectal neoplasms. Last evaluated: 2024-08-15. Review status: criteria provided, single submitter. Criteria: Invitae Variant Classification Sherloc (09022015). Collection method: clinical testing. Allele origin: germline.
Comment: This sequence change creates a premature translational stop signal (p.Gln1155*) in the MSH6 gene. It is expected to result in an absent or disrupted protein product. Loss-of-function variants in MSH6 are known to be pathogenic (PMID: 18269114, 24362816). This variant is not present in population databases (gnomAD no frequency). This variant has not been reported in the literature in individuals affected with MSH6-related conditions. ClinVar contains an entry for this variant (Variation ID: 483851). RNA analysis performed to evaluate the impact of this premature translational stop signal on mRNA splicing indicates it does not significantly alter splicing (Invitae). For these reasons, this variant has been classified as Pathogenic.

All of Us Research Program, National Institutes of Health
Classification: Pathogenic for Lynch syndrome. Last evaluated: 2024-06-09. Review status: criteria provided, single submitter. Criteria: ACMG Guidelines, 2015. Collection method: clinical testing. Allele origin: germline. Inheritance: Autosomal dominant inheritance. Observed: 1 variant allele, 1 heterozygote.
Comment: This variant changes 1 nucleotide in exon 6 of the MSH6 gene, creating a premature translation stop signal. This variant is expected to result in an absent or non-functional protein product. This variant has been reported in an individual affected with bladder cancer (PMID: 28873162, 30376427). This variant has not been identified in the general population by the Genome Aggregation Database (gnomAD). Loss of MSH6 function is a known mechanism of disease. Based on the available evidence, this variant is classified as Pathogenic.

This study involves interpretation of variants in research participants for the purpose of population health screening. Participant phenotype was not available at the time of variant classification. Additional details can be found in publication PMID: 35346344, PMCID: PMC8962531

Color Diagnostics, LLC DBA Color Health
Classification: Pathogenic for Hereditary cancer-predisposing syndrome. Last evaluated: 2024-04-03. Review status: criteria provided, single submitter. Criteria: ACMG Guidelines, 2015. Collection method: clinical testing. Allele origin: germline.
Comment: This variant changes 1 nucleotide in exon 6 of the MSH6 gene, creating a premature translation stop signal. This variant is expected to result in an absent or non-functional protein product. This variant has been reported in an individual affected with bladder cancer (PMID: 28873162, 30376427). This variant has not been identified in the general population by the Genome Aggregation Database (gnomAD). Loss of MSH6 function is a known mechanism of disease. Based on the available evidence, this variant is classified as Pathogenic.

Myriad Genetics, Inc.
Classification: Pathogenic for Lynch syndrome 5. Last evaluated: 2023-08-23. Review status: criteria provided, single submitter. Criteria: Myriad Autosomal Dominant, Autosomal Recessive and X-Linked Classification Criteria (2023). Collection method: clinical testing. Allele origin: unknown.
Comment: This variant is considered pathogenic. This variant creates a termination codon and is predicted to result in premature protein truncation.

Women's Health and Genetics/Laboratory Corporation of America, LabCorp
Classification: Likely pathogenic for Lynch syndrome. Last evaluated: 2018-05-14. Review status: criteria provided, single submitter. Criteria: LabCorp Variant Classification Summary - May 2015. Collection method: clinical testing. Allele origin: germline.
Comment: Variant summary: MSH6 c.3463C>T (p.Gln1155X) results in a premature termination codon, predicted to cause a truncation of the encoded protein or absence of the protein due to nonsense mediated decay, which are commonly known mechanisms for disease. Truncations downstream of this position have been classified as pathogenic by our laboratory (e.g. c.3476dupA (p.Tyr1159X), c.3513_3514delTA (p.Asp1171fsX5), c.3514dupA (p.Arg1172fsX5)). The variant was absent in 246166 control chromosomes. c.3463C>T has been reported in the literature in an individual with bladder cancer (Mandelker 2017). This report does not provide unequivocal conclusions about association of the variant with Lynch Syndrome. To our knowledge, no experimental evidence demonstrating an impact on protein function has been reported. One clinical diagnostic laboratory has submitted clinical-significance assessments for this variant to ClinVar after 2014 without evidence for independent evaluation, and classified the variant as pathogenic. Based on the evidence outlined above, the variant was classified as likely pathogenic.

Literature cited by the submitters: PubMed 18269114 (cited by Labcorp Genetics (formerly Invitae), Labcorp); PubMed 24362816 (cited by Labcorp Genetics (formerly Invitae), Labcorp); PubMed 28873162 (cited by 3 submitters); PubMed 30376427 (cited by All of Us Research Program, National Institutes of Health and Color Diagnostics, LLC DBA Color Health).